The following is an entry in ClinVar:

ClinVar aggregate classification (germline): Pathogenic/Likely pathogenic. Review status: criteria provided, multiple submitters, no conflicts (2 of 4 stars). 7 submissions from 7 submitters: Pathogenic (4); Likely pathogenic (2). 1 of the submissions does not count toward it. Last evaluated 2026-08-24.

Conditions:
PDE6B-related disorder. Also called: PDE6B-related disease; PDE6B-related condition; PDE6B-related disorders.
Retinitis pigmentosa 40 (RP40). Identifiers: Orphanet 791, MedGen C3151107, MONDO:0013429, OMIM 613801.
Congenital stationary night blindness autosomal dominant 2. Also called: NIGHT BLINDNESS, CONGENITAL STATIONARY, RAMBUSCH TYPE. Identifiers: Orphanet 215, MedGen C1876182, MONDO:0008099, OMIM 163500.

Allele frequency attached by ClinVar (database versions not stated): TOPMed 0.00002; gnomAD exomes 0.00004 and 0.00006; ExAC 0.00007.
gnomAD v4.1: 66 of 1,612,114 alleles (0.0041%); highest among the groups gnomAD compares: South Asian, 0.0077%; no homozygotes.

Submissions (7):

PreventionGenetics, part of Exact Sciences
Classification: Pathogenic for PDE6B-related condition. Last evaluated: 2026-08-24. Review status: criteria provided, single submitter. Criteria: ACMG Guidelines, 2015. Collection method: clinical testing. Allele origin: germline.
Comment: The PDE6B c.1798G>A variant is predicted to result in the amino acid substitution p.Asp600Asn. This variant has been reported in the homozygous and compound heterozygous states in many individuals with retinitis pigmentosa (see for examples: Tsang et al. 2008. PubMed ID: 18723146; Karali et al. 2019. PubMed ID: 31877679; Table S1, Weisschuh et al. 2020. PubMed ID: 32531858). This variant is present in 0.0098% of alleles in individuals of South Asian descent in gnomAD. This variant is interpreted as pathogenic for autosomal recessive disease.

Labcorp Genetics (formerly Invitae), Labcorp
Classification: Pathogenic. Last evaluated: 2025-09-08. Review status: criteria provided, single submitter. Criteria: Invitae Variant Classification Sherloc (09022015). Collection method: clinical testing. Allele origin: germline.
Comment: This sequence change replaces aspartic acid, which is acidic and polar, with asparagine, which is neutral and polar, at codon 600 of the PDE6B protein (p.Asp600Asn). This variant is present in population databases (rs764605140, gnomAD 0.01%). This missense change has been observed in individual(s) with clinical features of autosomal recessive inherited retinal dystrophy (PMID: 18723146, 26868535, 31877679; internal data). In at least one individual the data is consistent with being in trans (on the opposite chromosome) from a pathogenic variant. ClinVar contains an entry for this variant (Variation ID: 1070411). Invitae Evidence Modeling of protein sequence and biophysical properties (such as structural, functional, and spatial information, amino acid conservation, physicochemical variation, residue mobility, and thermodynamic stability) has been performed for this missense variant. However, the output from this modeling did not meet the statistical confidence thresholds required to predict the impact of this variant on PDE6B protein function. For these reasons, this variant has been classified as Pathogenic.

GeneDx
Classification: Likely pathogenic. Last evaluated: 2025-03-17. Review status: criteria provided, single submitter. Criteria: GeneDx Variant Classification Process June 2021. Collection method: clinical testing. Allele origin: germline. Affected: yes.
Comment: In silico analysis supports that this missense variant has a deleterious effect on protein structure/function; This variant is associated with the following publications: (PMID: 32531858, 18723146, 30962868, 24828262, 25999674, 27588261, 31877679, 33673512, 26868535, Lauderdale2011[Abstract], 34426522, 35835773, 31964843, 36460718, 36819107)

Blueprint Genetics
Classification: Pathogenic for PDE6B-related disorders. Last evaluated: 2024-09-15. Review status: criteria provided, single submitter. Criteria: ACMG Guidelines, 2015. Collection method: clinical testing. Allele origin: germline. Affected: yes. Observed: 5 variant alleles.

Genetics and Molecular Pathology, SA Pathology
Classification: Likely pathogenic for Retinitis pigmentosa 40. Last evaluated: 2021-10-28. Review status: criteria provided, single submitter. Criteria: ACMG Guidelines, 2015. Collection method: clinical testing. Allele origin: germline. Affected: yes.

Genome-Nilou Lab
Classification: Pathogenic for Congenital stationary night blindness autosomal dominant 2. Last evaluated: 2021-08-10. Review status: criteria provided, single submitter. Criteria: ACMG Guidelines, 2015. Collection method: clinical testing. Allele origin: germline. Affected: yes.

Clinical Genetics Laboratory, University Hospital Schleswig-Holstein
Classification: Pathogenic for Retinitis pigmentosa 40. Last evaluated: 2023-10-18. Review status: no assertion criteria provided. Collection method: clinical testing. Allele origin: germline. Affected: yes. Not counted in ClinVar's aggregate classification.

Literature cited by the submitters: PubMed 18723146 (cited by Labcorp Genetics (formerly Invitae), Labcorp); PubMed 26868535 (cited by Labcorp Genetics (formerly Invitae), Labcorp); PubMed 31877679 (cited by Labcorp Genetics (formerly Invitae), Labcorp).

NM_000283.4(PDE6B):c.1798G>A (p.Asp600Asn)

Gene: PDE6B (phosphodiesterase 6B; plus strand). Cytogenetic location: 4p16.3.
Variant type: single nucleotide variant.
Coding change: c.1798G>A on transcript NM_000283.4 (MANE Select); coding-DNA position 1798, G replaced by A.
Protein change: p.Asp600Asn; replaces aspartic acid 600 with asparagine.
Molecular consequence: missense variant.
Genome position (GRCh38, 1-based): chr4:662,584, G>A. VCF-style: chr4-662584-G-A. GRCh37 (hg19) VCF-style: chr4-656373-G-A.
Other names: c.1798G>A, p.Asp600Asn (NM_001145291.2); c.961G>A, p.Asp321Asn (NM_001145292.2, NM_001350154.3, NM_001379246.1 and 1 more transcripts); c.643G>A, p.Asp215Asn (NM_001350155.3); short protein forms D215N, D321N, D600N.
Identifiers: ClinVar variation 1070411 (VCV001070411.18), dbSNP rs764605140, ClinGen allele CA2794682.